The following is an entry in ClinVar:

NM_002334.4(LRP4):c.3908A>C (p.Asp1303Ala)

Gene: LRP4 (LDL receptor related protein 4; minus strand). Cytogenetic location: 11p11.2.
Variant type: single nucleotide variant.
Coding change: c.3908A>C on transcript NM_002334.4 (MANE Select); coding-DNA position 3908, A replaced by C.
Protein change: p.Asp1303Ala; replaces aspartic acid 1303 with alanine.
Molecular consequence: missense variant.
Genome position (GRCh38, 1-based): chr11:46,875,473, T>G on the plus strand (A>C on the coding strand, the complement: LRP4 is on the minus strand). VCF-style: chr11-46875473-T-G. GRCh37 (hg19) VCF-style: chr11-46897024-T-G.
Other names: short protein forms D1303A.
Identifiers: ClinVar variation 1480687 (VCV001480687.8), dbSNP rs777142871, ClinGen allele CA5969464.

ClinVar aggregate classification (germline): Uncertain significance (1 of 4 stars; one submission).

Conditions:
Sclerosteosis 2 (SOST2). Identifiers: Orphanet 3152, MedGen C3280402, MONDO:0013679, OMIM 614305.
Congenital myasthenic syndrome 17. Identifiers: Orphanet 590, MedGen C4225377, MONDO:0014578, OMIM 616304.
Cenani-Lenz syndactyly syndrome. Also called: CENANI SYNDACTYLISM; SYNDACTYLY, TYPE VII. Identifiers: Orphanet 3258, MedGen C1859309, MONDO:0008931, OMIM 212780.

Allele frequency attached by ClinVar (database versions not stated): gnomAD exomes below 0.00001; ExAC 0.00002.
gnomAD v4.1: 1 of 1,613,868 alleles (0.000062%); highest among the groups gnomAD compares: Non-Finnish European, 0.000085%; no homozygotes.

Submission:

Labcorp Genetics (formerly Invitae), Labcorp
Classification: Uncertain significance for Cenani-Lenz syndactyly syndrome; Sclerosteosis 2; Congenital myasthenic syndrome 17. Last evaluated: 2021-06-02. Review status: criteria provided, single submitter. Criteria: Invitae Variant Classification Sherloc (09022015). Collection method: clinical testing. Allele origin: germline.
Comment: In summary, the available evidence is currently insufficient to determine the role of this variant in disease. Therefore, it has been classified as a Variant of Uncertain Significance. This variant has not been reported in the literature in individuals with LRP4-related conditions. Algorithms developed to predict the effect of missense changes on protein structure and function are either unavailable or do not agree on the potential impact of this missense change (SIFT: "Deleterious"; PolyPhen-2: "Benign"; Align-GVGD: "Class C65"). The frequency data for this variant in the population databases is considered unreliable, as metrics indicate poor data quality at this position in the ExAC database. This sequence change replaces aspartic acid with alanine at codon 1303 of the LRP4 protein (p.Asp1303Ala). The aspartic acid residue is highly conserved and there is a moderate physicochemical difference between aspartic acid and alanine.